The following is an entry in ClinVar:

ClinVar aggregate classification (germline): Uncertain significance (1 of 4 stars; one submission).

Conditions:
X-linked central congenital hypothyroidism with late-onset testicular enlargement. Also called: Hypothyroidism, central, and testicular enlargement; HYPOTHYROIDISM, CENTRAL, WITH TESTICULAR ENLARGEMENT. Identifiers: Orphanet 329235, MedGen C3550963, MONDO:0010475, OMIM 300888.

Submission:

3billion
Classification: Uncertain significance for X-linked central congenital hypothyroidism with late-onset testicular enlargement. Last evaluated: 2022-05-22. Review status: criteria provided, single submitter. Criteria: ACMG Guidelines, 2015. Collection method: clinical testing. Allele origin: germline. Affected: yes. Observed: 1 hemizygote.
Comment: The variant is not observed in the gnomAD v2.1.1 dataset. Missense variant within the extracellular domain of the IGSF1 C-terminal domain (PMID: 23143598). In silico tool predictions suggest no damaging effect of the variant on gene or gene product (REVEL: 0.34; 3Cnet: 0.17). Therefore, this variant is classified as uncertain significanceaccording to the recommendation of ACMG/AMP guideline.

NM_001555.5(IGSF1):c.3467T>A (p.Val1156Glu)

Gene: IGSF1 (immunoglobulin superfamily member 1; minus strand). Cytogenetic location: Xq26.1.
Variant type: single nucleotide variant.
Coding change: c.3467T>A on transcript NM_001555.5 (MANE Select); coding-DNA position 3467, T replaced by A.
Protein change: p.Val1156Glu; replaces valine 1156 with glutamic acid.
Molecular consequence: missense variant.
Genome position (GRCh38, 1-based): chrX:131,275,004, A>T on the plus strand (T>A on the coding strand, the complement: IGSF1 is on the minus strand). VCF-style: chrX-131275004-A-T. GRCh37 (hg19) VCF-style: chrX-130408978-A-T.
Other names: c.3482T>A, p.Val1161Glu (NM_001170961.2); c.3440T>A, p.Val1147Glu (NM_001170962.2); short protein forms V1147E, V1156E, V1161E.
Identifiers: ClinVar variation 1687248 (VCV001687248.1), dbSNP rs2124080217, ClinGen allele CA414557132.